The following is an entry in ClinVar:

ClinVar aggregate classification (germline): Pathogenic (1 of 4 stars; one submission).

Submission:

Labcorp Genetics (formerly Invitae), Labcorp
Classification: Pathogenic. Last evaluated: 2022-07-18. Review status: criteria provided, single submitter. Criteria: Invitae Variant Classification Sherloc (09022015). Collection method: clinical testing. Allele origin: germline.
Comment: This sequence change creates a premature translational stop signal (p.Arg549Serfs*12) in the AGBL5 gene. It is expected to result in an absent or disrupted protein product. Loss-of-function variants in AGBL5 are known to be pathogenic (PMID: 27764769, 27842159). For these reasons, this variant has been classified as Pathogenic. Algorithms developed to predict the effect of sequence changes on RNA splicing suggest that this variant may create or strengthen a splice site. ClinVar contains an entry for this variant (Variation ID: 960289). This variant has not been reported in the literature in individuals affected with AGBL5-related conditions. This variant is not present in population databases (gnomAD no frequency).

Literature cited by the submitters: PubMed 27764769; PubMed 27842159.

NM_021831.6(AGBL5):c.1634_1646dup (p.Arg549fs)

Gene: AGBL5 (AGBL carboxypeptidase 5; plus strand). Cytogenetic location: 2p23.3.
Variant type: Duplication.
Coding change: c.1634_1646dup on transcript NM_021831.6 (MANE Select); coding-DNA positions 1634 to 1646, 13 bases duplicated (CTTTCCCCTCCAG).
Protein change: p.Arg549fs; shifts the reading frame from arginine 549.
Molecular consequence: frameshift variant. On other transcripts: non-coding transcript variant (2).
Genome position (GRCh38, 1-based): chr2:27,057,401-27,057,413, CTTTCCCCTCCAG duplicated; duplicating any 13 consecutive bases within chr2:27,057,400-27,057,413 gives the same sequence; the c. name uses the placement nearest the transcript's 3' end. VCF-style (leftmost placement, unchanged base first): chr2-27057399-G-GGCTTTCCCCTCCA. GRCh37 (hg19) VCF-style: chr2-27280267-G-GGCTTTCCCCTCCA.
Other names: c.1634_1646dup, p.Arg549fs (NM_001035507.3); short protein forms R549fs.
Identifiers: ClinVar variation 960289 (VCV000960289.7), dbSNP rs1668492338, ClinGen allele CA1139656804.